The following is an entry in ClinVar:

ClinVar aggregate classification (germline): Likely pathogenic (1 of 4 stars; one submission).

Conditions:
EFNB1-related disorder. Also called: EFNB1-related condition.

Submission:

PreventionGenetics, part of Exact Sciences
Classification: Likely pathogenic for EFNB1-related condition. Last evaluated: 2025-10-13. Review status: criteria provided, single submitter. Criteria: ACMG Guidelines, 2015. Collection method: clinical testing. Allele origin: germline.
Comment: The EFNB1 c.346_348delGAG variant is predicted to result in an in-frame deletion (p.Glu116del). To our knowledge, this variant has not been reported in the literature or in a large population database (gnomAD), indicating this variant is rare. The p.Glu116del variant occurs within the hot spot in exons 2-3 of EFNB1; variants within this domain have been reported in association with disease (Yang et al. 2025. PubMed ID: 40816004). This variant is interpreted as likely pathogenic.

NM_004429.5(EFNB1):c.346_348del (p.Glu116del)

Gene: EFNB1 (ephrin B1; plus strand). Cytogenetic location: Xq13.1.
Variant type: Deletion.
Coding change: c.346_348del on transcript NM_004429.5 (MANE Select); coding-DNA positions 346 to 348, 3 bases deleted (GAG; older notation c.346_348delGAG).
Protein change: p.Glu116del; deletes glutamic acid 116.
Molecular consequence: inframe deletion.
Genome position (GRCh38, 1-based): chrX:68,838,834-68,838,836, GAG deleted; deleting any 3 consecutive bases within chrX:68,838,832-68,838,836 gives the same sequence; the c. name uses the placement nearest the transcript's 3' end. VCF-style (leftmost placement, unchanged base first): chrX-68838831-CAGG-C. GRCh37 (hg19) VCF-style: chrX-68058674-CAGG-C.
Other names: short protein forms E116del.
Identifiers: ClinVar variation 4993624 (VCV004993624.1).
Genomic context (GRCh38, chrX:68,838,831, plus strand): 5'-CCCAACGTGTTGGTCACCTGCAATAGGCCAGAGCAGGAAATACGCTTTACCATCAAGTTC[CAGG>C]AGTTCAGCCCCAACTACATGGGCCTGGAGTTCAAGAAGCACCATGATTACTACATTACCT-3'